The following is an entry in ClinVar:

NM_001372106.1(DNAH10):c.9625G>T (p.Val3209Phe)

Gene: DNAH10 (dynein axonemal heavy chain 10; plus strand). Cytogenetic location: 12q24.31.
Variant type: single nucleotide variant.
Coding change: c.9625G>T on transcript NM_001372106.1 (MANE Select); coding-DNA position 9625, G replaced by T.
Protein change: p.Val3209Phe; replaces valine 3209 with phenylalanine.
Molecular consequence: missense variant.
Genome position (GRCh38, 1-based): chr12:123,898,799, G>T. VCF-style: chr12-123898799-G-T. GRCh37 (hg19) VCF-style: chr12-124383346-G-T.
Other names: c.9271G>T, p.Val3091Phe (NM_001083900.1, NM_207437.3); short protein forms V3091F, V3209F.
Identifiers: ClinVar variation 2643534 (VCV002643534.24), dbSNP rs185819487, ClinGen allele CA387164057.

ClinVar aggregate classification (germline): Uncertain significance (1 of 4 stars; one submission).

gnomAD v4.1: 1 of 1,609,818 alleles (0.000062%); highest among the groups gnomAD compares: East Asian, 0.0022%; no homozygotes.

Submission:

CeGaT Center for Human Genetics Tuebingen
Classification: Uncertain significance. Last evaluated: 2022-08-01. Review status: criteria provided, single submitter. Criteria: CeGaT Center For Human Genetics Tuebingen Variant Classification Criteria Version 2. Collection method: clinical testing. Allele origin: germline. Affected: yes. Observed: 1 variant allele.
Comment: DNAH10: PM2, BP4